The following is an entry in ClinVar:

NM_004560.4(ROR2):c.146G>T (p.Gly49Val)

Gene: ROR2 (ROR family WNT receptor 2; minus strand). Cytogenetic location: 9q22.31.
Variant type: single nucleotide variant.
Coding change: c.146G>T on transcript NM_004560.4 (MANE Select); coding-DNA position 146, G replaced by T.
Protein change: p.Gly49Val; replaces glycine 49 with valine.
Molecular consequence: missense variant.
Genome position (GRCh38, 1-based): chr9:91,775,770, C>A on the plus strand (G>T on the coding strand, the complement: ROR2 is on the minus strand). VCF-style: chr9-91775770-C-A. GRCh37 (hg19) VCF-style: chr9-94538052-C-A.
Other names: NC_000009.11:g.94538052C>A; c.146G>T, p.Gly49Val (NM_001318204.2); short protein forms G49V.
Identifiers: ClinVar variation 913011 (VCV000913011.6), dbSNP rs201991252, ClinGen allele CA5121125.

ClinVar aggregate classification (germline): Conflicting classifications of pathogenicity. Review status: criteria provided, conflicting classifications (1 of 4 stars). 3 submissions from 2 submitters: Uncertain significance (1); Benign (1); Likely benign (1). Last evaluated 2025-05-11.

Conditions:
ROR2-related disorder. Also called: ROR2-related condition; ROR2-related disorders.
Autosomal recessive Robinow syndrome (RRS1). Also called: ROR2-Related Robinow Syndrome; COSTOVERTEBRAL SEGMENTATION DEFECT WITH MESOMELIA; COVESDEM SYNDROME; ROBINOW SYNDROME, AUTOSOMAL RECESSIVE 1. Identifiers: Orphanet 1507, Orphanet 97360, MedGen C5399974, MONDO:0009999, OMIM 268310.
Brachydactyly type B1 (BDB1). Identifiers: Orphanet 572385, Orphanet 93383, MedGen C1862112, MONDO:0007220, OMIM 113000.

Allele frequency attached by ClinVar (database versions not stated): TOPMed 0.00002; gnomAD exomes 0.00010; 1000 Genomes Project 30x 0.00016; 1000 Genomes Project 0.00020.
gnomAD v4.1: 209 of 1,614,164 alleles (0.013%); highest among the groups gnomAD compares: East Asian, 0.46%; no homozygotes.

Submissions (4):

PreventionGenetics, part of Exact Sciences
Classification: Likely benign for ROR2-related condition. Last evaluated: 2025-05-11. Review status: criteria provided, single submitter. Criteria: ACMG Guidelines, 2015. Collection method: clinical testing. Allele origin: germline.
Comment: This variant is classified as likely benign based on ACMG/AMP sequence variant interpretation guidelines (Richards et al. 2015 PMID: 25741868, with internal and published modifications).

Illumina Laboratory Services, Illumina
Classification: Uncertain significance for Autosomal recessive Robinow syndrome. Last evaluated: 2018-01-12. Review status: criteria provided, single submitter. Criteria: ICSL Variant Classification Criteria 13 December 2019. Collection method: clinical testing. Allele origin: germline.

Illumina Laboratory Services, Illumina
Classification: Benign for Brachydactyly type B1. Last evaluated: 2018-01-12. Review status: criteria provided, single submitter. Criteria: ICSL Variant Classification Criteria 13 December 2019. Collection method: clinical testing. Allele origin: germline.
Comment: This variant was observed in the ICSL laboratory as part of a predisposition screen in an ostensibly healthy population. It had not been previously curated by ICSL or reported in the Human Gene Mutation Database (HGMD: prior to June 1st, 2018), and was therefore a candidate for classification through an automated scoring system. Utilizing variant allele frequency, disease prevalence and penetrance estimates, and inheritance mode, an automated score was calculated to assess if this variant is too frequent to cause the disease. Based on the score and internal cut-off values, a variant classified as benign is not then subjected to further curation. The score for this variant resulted in a classification of benign for this disease.

Dr. Peter K. Rogan Lab, Western University
No classification provided (evidence only). Condition: Thyroid cancer, nonmedullary, 1. Review status: no classification provided. Collection method: in vitro. Allele origin: not applicable. Functional consequence: retained intron. Not counted in ClinVar's aggregate classification.